The following is an entry in ClinVar:

ClinVar aggregate classification (germline): Uncertain significance (1 of 4 stars; one submission).

Conditions:
Mucolipidosis type II. Also called: Mucolipidosis 2; ML 2; Inclusion cell disease; Leroy Disease; N-acetylglucosamine 1phosphotransferase deficiency; ML disorder type 2. Identifiers: Orphanet 576, MedGen C2673377, MONDO:0009650, OMIM 252500.
Pseudo-Hurler polydystrophy. Also called: ML IIIA; Mucolipidosis III Alpha/Beta; MUCOLIPIDOSIS IIIA; ML III; ML III ALPHA/BETA; Type III Mucolipidosis. Identifiers: Orphanet 423461, Orphanet 577, MedGen C0033788, MONDO:0018931, OMIM 252600.

Allele frequency attached by ClinVar (database versions not stated): gnomAD exomes below 0.00001.
gnomAD v4.1: 1 of 1,614,160 alleles (0.000062%); highest among the groups gnomAD compares: African/African-American, 0.0013%; no homozygotes.

Submission:

Labcorp Genetics (formerly Invitae), Labcorp
Classification: Uncertain significance for Pseudo-Hurler polydystrophy; Mucolipidosis type II. Last evaluated: 2023-10-09. Review status: criteria provided, single submitter. Criteria: Invitae Variant Classification Sherloc (09022015). Collection method: clinical testing. Allele origin: germline.
Comment: This sequence change replaces aspartic acid, which is acidic and polar, with glycine, which is neutral and non-polar, at codon 76 of the GNPTAB protein (p.Asp76Gly). This variant is not present in population databases (gnomAD no frequency). This missense change has been observed in individual(s) with mucolipidosis type II (PMID: 28918368). ClinVar contains an entry for this variant (Variation ID: 2137403). Advanced modeling of protein sequence and biophysical properties (such as structural, functional, and spatial information, amino acid conservation, physicochemical variation, residue mobility, and thermodynamic stability) performed at Invitae indicates that this missense variant is expected to disrupt GNPTAB protein function. Experimental studies have shown that this missense change affects GNPTAB function (PMID: 28918368). This variant disrupts the p.Asp76 amino acid residue in GNPTAB. Other variant(s) that disrupt this residue have been observed in individuals with GNPTAB-related conditions (Invitae), which suggests that this may be a clinically significant amino acid residue. In summary, the available evidence is currently insufficient to determine the role of this variant in disease. Therefore, it has been classified as a Variant of Uncertain Significance.

Literature cited by the submitters: PubMed 28918368.

NM_024312.5(GNPTAB):c.227A>G (p.Asp76Gly)

Gene: GNPTAB (N-acetylglucosamine-1-phosphate transferase subunits alpha and beta; minus strand). Cytogenetic location: 12q23.2.
Variant type: single nucleotide variant.
Coding change: c.227A>G on transcript NM_024312.5 (MANE Select); coding-DNA position 227, A replaced by G.
Protein change: p.Asp76Gly; replaces aspartic acid 76 with glycine.
Molecular consequence: missense variant.
Genome position (GRCh38, 1-based): chr12:101,790,034, T>C on the plus strand (A>G on the coding strand, the complement: GNPTAB is on the minus strand). VCF-style: chr12-101790034-T-C. GRCh37 (hg19) VCF-style: chr12-102183812-T-C.
Other names: short protein forms D76G.
Identifiers: ClinVar variation 2137403 (VCV002137403.4), dbSNP rs2137150320, ClinGen allele CA386305543.